The following is an entry in ClinVar:

ClinVar aggregate classification (germline): Uncertain significance (1 of 4 stars; one submission).

Allele frequency attached by ClinVar (database versions not stated): TOPMed below 0.00001; ExAC 0.00001.
gnomAD v4.1: 2 of 1,614,064 alleles (0.00012%); highest among the groups gnomAD compares: South Asian, 0.0011%; no homozygotes.

Submission:

Labcorp Genetics (formerly Invitae), Labcorp
Classification: Uncertain significance. Last evaluated: 2023-09-10. Review status: criteria provided, single submitter. Criteria: Invitae Variant Classification Sherloc (09022015). Collection method: clinical testing. Allele origin: germline.
Comment: This sequence change replaces serine, which is neutral and polar, with asparagine, which is neutral and polar, at codon 850 of the ALPK3 protein (p.Ser850Asn). This variant is present in population databases (rs754100615, gnomAD 0.003%). In summary, the available evidence is currently insufficient to determine the role of this variant in disease. Therefore, it has been classified as a Variant of Uncertain Significance. An algorithm developed to predict the effect of missense changes on protein structure and function (PolyPhen-2) suggests that this variant is likely to be tolerated. This variant has not been reported in the literature in individuals affected with ALPK3-related conditions.

NM_020778.5(ALPK3):c.1943G>A (p.Ser648Asn)

Gene: ALPK3 (alpha kinase 3; plus strand). Cytogenetic location: 15q25.3.
Variant type: single nucleotide variant.
Coding change: c.1943G>A on transcript NM_020778.5 (MANE Select); coding-DNA position 1943, G replaced by A.
Protein change: p.Ser648Asn; replaces serine 648 with asparagine.
Molecular consequence: missense variant.
Genome position (GRCh38, 1-based): chr15:84,856,681, G>A. VCF-style: chr15-84856681-G-A. GRCh37 (hg19) VCF-style: chr15-85399912-G-A.
Other names: short protein forms S648N.
Identifiers: ClinVar variation 2775945 (VCV002775945.3), dbSNP rs754100615, ClinGen allele CA7709320.